The following is an entry in ClinVar:

NM_000254.3(MTR):c.2861C>T (p.Thr954Met)

Gene: MTR (5-methyltetrahydrofolate-homocysteine methyltransferase; plus strand). Cytogenetic location: 1q43.
Variant type: single nucleotide variant.
Coding change: c.2861C>T on transcript NM_000254.3 (MANE Select); coding-DNA position 2861, C replaced by T.
Protein change: p.Thr954Met; replaces threonine 954 with methionine.
Molecular consequence: missense variant.
Genome position (GRCh38, 1-based): chr1:236,889,190, C>T. VCF-style: chr1-236889190-C-T. GRCh37 (hg19) VCF-style: chr1-237052490-C-T.
Other names: c.2708C>T, p.Thr903Met (NM_001291939.1); c.1640C>T, p.Thr547Met (NM_001291940.2); short protein forms T547M, T903M, T954M.
Identifiers: ClinVar variation 873715 (VCV000873715.6), dbSNP rs146931200, ClinGen allele CA1474550.

ClinVar aggregate classification (germline): Uncertain significance. Review status: criteria provided, multiple submitters, no conflicts (2 of 4 stars). 3 submissions from 3 submitters: Uncertain significance (3). Last evaluated 2025-10-18.

Conditions:
Disorders of Intracellular Cobalamin Metabolism. Identifiers: MedGen CN043592.
Inborn genetic diseases. Identifiers: MedGen C0950123, MeSH D030342.
Methylcobalamin deficiency type cblG (HMAG). Also called: HOMOCYSTINURIA-MEGALOBLASTIC ANEMIA, cblG COMPLEMENTATION TYPE; Functional methionine synthase deficiency type cblG; HOMOCYSTINURIA-MEGALOBLASTIC ANEMIA DUE TO DEFECT IN COBALAMIN METABOLISM, cblG COMPLEMENTATION TYPE; HOMOCYSTINURIA-MEGALOBLASTIC ANEMIA, cblG TYPE. Identifiers: Orphanet 2170, Orphanet 622, MedGen C1855128, MONDO:0009609, OMIM 250940.

Allele frequency attached by ClinVar (database versions not stated): ExAC 0.00002; gnomAD 0.00006 and 0.00007; TOPMed 0.00007; ESP Exome Variant Server 0.00008; gnomAD exomes 0.00002 and 0.00005.
gnomAD v4.1: 77 of 1,614,012 alleles (0.0048%); highest among the groups gnomAD compares: South Asian, 0.0066%; no homozygotes.

Submissions (3):

Ambry Genetics
Classification: Uncertain significance for Inborn genetic diseases. Last evaluated: 2025-10-18. Review status: criteria provided, single submitter. Criteria: Ambry Variant Classification Scheme 2023. Collection method: clinical testing. Allele origin: germline.

Labcorp Genetics (formerly Invitae), Labcorp
Classification: Uncertain significance for Methylcobalamin deficiency type cblG. Last evaluated: 2022-04-05. Review status: criteria provided, single submitter. Criteria: Invitae Variant Classification Sherloc (09022015). Collection method: clinical testing. Allele origin: germline.
Comment: This sequence change replaces threonine, which is neutral and polar, with methionine, which is neutral and non-polar, at codon 954 of the MTR protein (p.Thr954Met). This variant is present in population databases (rs146931200, gnomAD 0.01%). This variant has not been reported in the literature in individuals affected with MTR-related conditions. ClinVar contains an entry for this variant (Variation ID: 873715). Algorithms developed to predict the effect of missense changes on protein structure and function output the following: SIFT: "Deleterious"; PolyPhen-2: "Benign"; Align-GVGD: "Class C0". The methionine amino acid residue is found in multiple mammalian species, which suggests that this missense change does not adversely affect protein function. In summary, the available evidence is currently insufficient to determine the role of this variant in disease. Therefore, it has been classified as a Variant of Uncertain Significance.

Illumina Laboratory Services, Illumina
Classification: Uncertain significance for Disorders of Intracellular Cobalamin Metabolism. Last evaluated: 2018-01-13. Review status: criteria provided, single submitter. Criteria: ICSL Variant Classification Criteria 13 December 2019. Collection method: clinical testing. Allele origin: germline.